The following is an entry in ClinVar:

NM_005247.4(FGF3):c.188G>A (p.Arg63His)

Genes: FGF3 (fibroblast growth factor 3; minus strand), LOC109115964 (FGF3 5' regulatory region; plus strand). Cytogenetic location: 11q13.3.
Variant type: single nucleotide variant.
Coding change: c.188G>A on transcript NM_005247.4 (MANE Select); coding-DNA position 188, G replaced by A.
Protein change: p.Arg63His; replaces arginine 63 with histidine.
Molecular consequence: missense variant.
Genome position (GRCh38, 1-based): chr11:69,818,746, C>T on the plus strand (G>A on the coding strand, the complement: FGF3 is on the minus strand). VCF-style: chr11-69818746-C-T. GRCh37 (hg19) VCF-style: chr11-69633514-C-T.
Other names: short protein forms R63H.
Identifiers: ClinVar variation 4257184 (VCV004257184.2).

ClinVar aggregate classification (germline): Uncertain significance. Review status: criteria provided, multiple submitters, no conflicts (2 of 4 stars). 2 submissions from 2 submitters: Uncertain significance (2). Last evaluated 2025-08-24.

Conditions:
FGF3-related disorder. Also called: FGF3-related condition.
Inborn genetic diseases. Identifiers: MedGen C0950123, MeSH D030342.

gnomAD v4.1: 21 of 1,494,258 alleles (0.0014%); highest among the groups gnomAD compares: African/African-American, 0.0029%; no homozygotes.

Submissions (2):

Ambry Genetics
Classification: Uncertain significance for Inborn genetic diseases. Last evaluated: 2025-08-24. Review status: criteria provided, single submitter. Criteria: Ambry Variant Classification Scheme 2023. Collection method: clinical testing. Allele origin: germline.

PreventionGenetics, part of Exact Sciences
Classification: Uncertain significance for FGF3-related condition. Last evaluated: 2024-11-21. Review status: criteria provided, single submitter. Criteria: ACMG Guidelines, 2015. Collection method: clinical testing. Allele origin: germline.
Comment: The FGF3 c.188G>A variant is predicted to result in the amino acid substitution p.Arg63His. To our knowledge, this variant has not been reported in the literature. This variant is reported in 0.0094% of alleles in individuals of African descent in gnomAD. At this time, the clinical significance of this variant is uncertain due to the absence of conclusive functional and genetic evidence.